The following is an entry in ClinVar:

ClinVar aggregate classification (germline): Benign/Likely benign. Review status: criteria provided, multiple submitters, no conflicts (2 of 4 stars). 7 submissions from 6 submitters: Benign (5); Likely benign (2). Last evaluated 2026-06-29.

Conditions:
Ehlers-Danlos syndrome, arthrochalasia type, 2. Also called: EHLERS-DANLOS SYNDROME, TYPE VIIB, AUTOSOMAL DOMINANT. Identifiers: MedGen CN293783, MONDO:0040501, OMIM 617821.
Osteogenesis imperfecta (OI). Identifiers: Orphanet 666, MedGen C0029434, MeSH D010013, MONDO:0019019.
Osteogenesis imperfecta type I (OI1). Also called: OI, TYPE I; OSTEOGENESIS IMPERFECTA TARDA; OSTEOGENESIS IMPERFECTA WITH BLUE SCLERAE; Classic Non-deforming Osteogenesis Imperfecta with Blue Sclerae; Lobstein disease; Osteogenesis imperfecta type 1. Identifiers: Orphanet 216796, Orphanet 666, MedGen C0023931, MONDO:0008146, OMIM 166200. Disease mechanism: loss of function.
Ehlers-Danlos syndrome, classic type, 1 (EDSCL1). Also called: EHLERS-DANLOS SYNDROME, GRAVIS TYPE; EHLERS-DANLOS SYNDROME, SEVERE CLASSIC TYPE; EDS I; Ehlers-Danlos syndrome, type 1; Ehlers-Danlos Syndrome, Classic Type, COL5A1-Related. Identifiers: MedGen C0268335, MONDO:0019567, OMIM 130000.

Allele frequency attached by ClinVar (database versions not stated): ESP Exome Variant Server 0.00008; gnomAD exomes 0.00010 and 0.00062; gnomAD 0.00024 and 0.00029; TOPMed 0.00034; ExAC 0.00062; 1000 Genomes Project 0.00140; 1000 Genomes Project 30x 0.00141.

Submissions (8):

Women's Health and Genetics/Laboratory Corporation of America, LabCorp
Classification: Benign. Last evaluated: 2026-06-29. Review status: criteria provided, single submitter. Criteria: LabCorp Variant Classification Summary - May 2015. Collection method: clinical testing. Allele origin: germline.
Comment: Variant summary: COL1A2 c.892-13C>G alters a nucleotide located at a position not widely known to affect splicing. Consensus agreement among computation tools predict no significant impact on normal splicing. However, these predictions have yet to be confirmed by functional studies. The variant allele was found at a frequency of 0.00062 in 251484 control chromosomes, predominantly at a frequency of 0.0083 within the East Asian subpopulation in the gnomAD database, including 1 homozygotes. The observed variant frequency within East Asian control individuals in the gnomAD database exceeds the estimated maximal expected allele frequency for disease-causing variants in COL1A2. To our knowledge, no occurrence of c.892-13C>G in individuals affected with COL1A2-related conditions and no experimental evidence demonstrating its impact on protein function have been reported. ClinVar contains an entry for this variant (Variation ID: 360949). Based on the evidence outlined above, the variant was classified as benign.

Labcorp Genetics (formerly Invitae), Labcorp
Classification: Benign for Osteogenesis imperfecta type I; Ehlers-Danlos syndrome, classic type, 1. Last evaluated: 2026-01-18. Review status: criteria provided, single submitter. Criteria: Invitae Variant Classification Sherloc (09022015). Collection method: clinical testing. Allele origin: germline.

Blueprint Genetics
Classification: Likely benign. Last evaluated: 2024-06-25. Review status: criteria provided, single submitter. Criteria: ACMG Guidelines, 2015. Collection method: clinical testing. Allele origin: germline.

ARUP Laboratories, Molecular Genetics and Genomics, ARUP Laboratories
Classification: Likely benign. Last evaluated: 2023-04-07. Review status: criteria provided, single submitter. Criteria: ARUP Molecular Germline Variant Investigation Process 2024. Collection method: clinical testing. Allele origin: germline.

Illumina Laboratory Services, Illumina
Classification: Benign for Osteogenesis imperfecta. Last evaluated: 2018-01-12. Review status: criteria provided, single submitter. Criteria: ICSL Variant Classification Criteria 13 December 2019. Collection method: clinical testing. Allele origin: germline.
Comment: This variant was observed in the ICSL laboratory as part of a predisposition screen in an ostensibly healthy population. It had not been previously curated by ICSL or reported in the Human Gene Mutation Database (HGMD: prior to June 1st, 2018), and was therefore a candidate for classification through an automated scoring system. Utilizing variant allele frequency, disease prevalence and penetrance estimates, and inheritance mode, an automated score was calculated to assess if this variant is too frequent to cause the disease. Based on the score and internal cut-off values, a variant classified as benign is not then subjected to further curation. The score for this variant resulted in a classification of benign for this disease.

Illumina Laboratory Services, Illumina
Classification: Benign for Ehlers-Danlos syndrome, arthrochalasia type, 2. Last evaluated: 2018-01-12. Review status: criteria provided, single submitter. Criteria: ICSL Variant Classification Criteria 13 December 2019. Collection method: clinical testing. Allele origin: germline.
Comment: the same text as in the submission from Illumina Laboratory Services, Illumina above.

Breakthrough Genomics
Classification: Benign. Review status: criteria provided, single submitter. Criteria: ACMG Guidelines, 2015. Collection method: not provided. Allele origin: germline. Inheritance: Autosomal recessive inheritance. Affected: yes.

Dr. Peter K. Rogan Lab, Western University
No classification provided (evidence only). Condition: Malignant tumor of esophagus. Review status: no classification provided. Collection method: in vitro. Allele origin: not applicable. Functional consequence: retained intron. Not counted in ClinVar's aggregate classification.

NM_000089.4(COL1A2):c.892-13C>G

Gene: COL1A2 (collagen type I alpha 2 chain; plus strand). Cytogenetic location: 7q21.3.
Variant type: single nucleotide variant.
Coding change: c.892-13C>G on transcript NM_000089.4 (MANE Select); 13 bases into the intron before coding-DNA position 892, C replaced by G.
Molecular consequence: intron variant.
Genome position (GRCh38, 1-based): chr7:94,409,551, C>G. VCF-style: chr7-94409551-C-G. GRCh37 (hg19) VCF-style: chr7-94038863-C-G.
Identifiers: ClinVar variation 360949 (VCV000360949.18), dbSNP rs200532328, ClinGen allele CA4346863.